The following is an entry in ClinVar:

NM_144670.6(A2ML1):c.1970G>A (p.Arg657His)

Gene: A2ML1 (alpha-2-macroglobulin like 1; plus strand). Cytogenetic location: 12p13.31.
Variant type: single nucleotide variant.
Coding change: c.1970G>A on transcript NM_144670.6 (MANE Select); coding-DNA position 1970, G replaced by A.
Protein change: p.Arg657His; replaces arginine 657 with histidine.
Molecular consequence: missense variant.
Genome position (GRCh38, 1-based): chr12:8,848,856, G>A. VCF-style: chr12-8848856-G-A. GRCh37 (hg19) VCF-style: chr12-9001452-G-A.
Other names: c.497G>A, p.Arg166His (NM_001282424.3); short protein forms R166H, R657H.
Identifiers: ClinVar variation 1363785 (VCV001363785.10), dbSNP rs372629661, ClinGen allele CA6435853.
Genomic context (GRCh38, chr12:8,848,856, plus strand): 5'-GCCCATGGGACTTTCCTCAGCCCCTCATTGACCCAATGCCCCAAGGGCATTCGAGCCAGC[G>A]TTCCATTATCTGGAGGCCCTCGTTCTCTGAAGGCACGGACCTTTTCAGCTTTTTCCGGGT-3'
Protein context (NP_653271.3, residues 647-667): DPMPQGHSSQ[Arg657His]SIIWRPSFSE

ClinVar aggregate classification (germline): Conflicting classifications of pathogenicity. Review status: criteria provided, conflicting classifications (1 of 4 stars). 3 submissions from 3 submitters: Uncertain significance (2); Benign (1). Last evaluated 2025-11-21.

Allele frequency attached by ClinVar (database versions not stated): gnomAD 0.00005 and 0.00007; ESP Exome Variant Server 0.00008; TOPMed 0.00008; gnomAD exomes 0.00009; ExAC 0.00011.
gnomAD v4.1: 167 of 1,614,010 alleles (0.01%); highest among the groups gnomAD compares: South Asian, 0.051%; no homozygotes.

Submissions (3):

Labcorp Genetics (formerly Invitae), Labcorp
Classification: Uncertain significance. Last evaluated: 2025-11-21. Review status: criteria provided, single submitter. Criteria: Invitae Variant Classification Sherloc (09022015). Collection method: clinical testing. Allele origin: germline.
Comment: This sequence change replaces arginine, which is basic and polar, with histidine, which is basic and polar, at codon 657 of the A2ML1 protein (p.Arg657His). This variant is present in population databases (rs372629661, gnomAD 0.04%). This variant has not been reported in the literature in individuals affected with A2ML1-related conditions. ClinVar contains an entry for this variant (Variation ID: 1363785). An algorithm developed to predict the effect of missense changes on protein structure and function (PolyPhen-2) suggests that this variant is likely to be tolerated. In summary, the available evidence is currently insufficient to determine the role of this variant in disease. Therefore, it has been classified as a Variant of Uncertain Significance.

Ambry Genetics
Classification: Uncertain significance. Last evaluated: 2025-10-11. Review status: criteria provided, single submitter. Criteria: Ambry Variant Classification Scheme 2023. Collection method: clinical testing. Allele origin: germline.
Comment: The p.R657H variant (also known as c.1970G>A), located in coding exon 16 of the A2ML1 gene, results from a G to A substitution at nucleotide position 1970. The arginine at codon 657 is replaced by histidine, an amino acid with highly similar properties. This amino acid position is conserved. In addition, this alteration is predicted to be tolerated by in silico analysis. Since supporting evidence is limited at this time, the clinical significance of this alteration remains unclear.

Women's Health and Genetics/Laboratory Corporation of America, LabCorp
Classification: Benign. Last evaluated: 2022-04-18. Review status: criteria provided, single submitter. Criteria: LabCorp Variant Classification Summary - May 2015. Collection method: clinical testing. Allele origin: germline.
Comment: Variant summary: A2ML1 c.1970G>A (p.Arg657His) results in a non-conservative amino acid change in the encoded protein sequence. Four of five in-silico tools predict a benign effect of the variant on protein function. The variant allele was found at a frequency of 9.2e-05 in 249348 control chromosomes, predominantly at a frequency of 0.00043 within the South Asian subpopulation in the gnomAD database. The observed variant frequency within South Asian control individuals in the gnomAD database is approximately 100-fold of the estimated maximal expected allele frequency for a pathogenic variant in A2ML1 causing Noonan Syndrome phenotype (4e-06), strongly suggesting that the variant is a benign polymorphism found primarily in populations of South Asian origin. c.1970G>A has been reported in the literature in an individual affected with Noonan Syndrome, however this patient also carried a pathogenic variant (SOS1 c.806T>C, p.Met269Thr), which could explain the phenotype (Papadopoulos_2022). One clinical diagnostic laboratory has submitted clinical-significance assessments for this variant to ClinVar after 2014, and classified the variant as uncertain significance. Based on the evidence outlined above, the variant was classified as benign.